The following is an entry in ClinVar:

NM_003322.6(TULP1):c.10C>T (p.Arg4Trp)

Gene: TULP1 (TUB like protein 1; minus strand). Cytogenetic location: 6p21.31.
Variant type: single nucleotide variant.
Coding change: c.10C>T on transcript NM_003322.6 (MANE Select); coding-DNA position 10, C replaced by T.
Protein change: p.Arg4Trp; replaces arginine 4 with tryptophan.
Molecular consequence: missense variant.
Genome position (GRCh38, 1-based): chr6:35,512,849, G>A on the plus strand (C>T on the coding strand, the complement: TULP1 is on the minus strand). VCF-style: chr6-35512849-G-A. GRCh37 (hg19) VCF-style: chr6-35480626-G-A.
Other names: c.10C>T, p.Arg4Trp (NM_001289395.2); short protein forms R4W.
Identifiers: ClinVar variation 2064875 (VCV002064875.1), dbSNP rs2533813670, ClinGen allele CA363785501.

ClinVar aggregate classification (germline): Uncertain significance (1 of 4 stars; one submission).

Allele frequency attached by ClinVar (database versions not stated): gnomAD exomes below 0.00001.
gnomAD v4.1: 5 of 1,607,236 alleles (0.00031%); highest among the groups gnomAD compares: South Asian, 0.0022%; no homozygotes.

Submission:

Labcorp Genetics (formerly Invitae), Labcorp
Classification: Uncertain significance. Last evaluated: 2022-01-03. Review status: criteria provided, single submitter. Criteria: Invitae Variant Classification Sherloc (09022015). Collection method: clinical testing. Allele origin: germline.
Comment: This sequence change replaces arginine, which is basic and polar, with tryptophan, which is neutral and slightly polar, at codon 4 of the TULP1 protein (p.Arg4Trp). This variant is not present in population databases (gnomAD no frequency). This variant has not been reported in the literature in individuals affected with TULP1-related conditions. Algorithms developed to predict the effect of missense changes on protein structure and function are either unavailable or do not agree on the potential impact of this missense change (SIFT: "Not Available"; PolyPhen-2: "Benign"; Align-GVGD: "Not Available"). In summary, the available evidence is currently insufficient to determine the role of this variant in disease. Therefore, it has been classified as a Variant of Uncertain Significance.